The following is an entry in ClinVar:

ClinVar aggregate classification (germline): Pathogenic. Review status: reviewed by expert panel (3 of 4 stars). 5 submissions from 5 submitters: Pathogenic (1). 4 of the submissions do not count toward it. Last evaluated 2016-09-08.

Conditions:
Hereditary breast ovarian cancer syndrome. Also called: Hereditary breast and ovarian cancer syndrome (HBOC); Breast and ovarian cancer; Hereditary breast and ovarian cancer syndrome; Hereditary breast and ovarian cancer; BRCA1- and BRCA2-Associated Hereditary Breast and Ovarian Cancer; Hereditary breast and/or ovarian cancer syndrome. Identifiers: Orphanet 145, MedGen C0677776, MeSH D061325, MONDO:0003582. Disease mechanism: loss of function.
Hereditary cancer-predisposing syndrome. Also called: Hereditary Cancer Syndrome; Neoplastic Syndromes, Hereditary; Hereditary neoplastic syndrome; Tumor predisposition. Identifiers: Orphanet 140162, MedGen C0027672, MeSH D009386, MONDO:0015356.
Breast-ovarian cancer, familial, susceptibility to, 1 (BROVCA1). Also called: BRCA1 Hereditary Breast and Ovarian Cancer; OVARIAN CANCER, SUSCEPTIBILITY TO. Identifiers: Orphanet 145, MedGen C2676676, MONDO:0011450, OMIM 604370. Disease mechanism: loss of function.

Submissions (5):

Evidence-based Network for the Interpretation of Germline Mutant Alleles (ENIGMA)
Classification: Pathogenic for Breast-ovarian cancer, familial, susceptibility to, 1. Last evaluated: 2016-09-08. Review status: reviewed by expert panel. Criteria: ENIGMA BRCA1/2 Classification Criteria (2015). Collection method: curation. Allele origin: germline.
Comment: Variant allele predicted to encode a truncated non-functional protein.

Ambry Genetics
Classification: Pathogenic for Hereditary cancer-predisposing syndrome. Last evaluated: 2025-01-17. Review status: criteria provided, single submitter. Criteria: Ambry Variant Classification Scheme 2023. Collection method: clinical testing. Allele origin: germline. Not counted in ClinVar's aggregate classification.
Comment: The c.2630delA pathogenic mutation, located in coding exon 9 of the BRCA1 gene, results from a deletion of one nucleotide at nucleotide position 2630, causing a translational frameshift with a predicted alternate stop codon (p.N877Mfs*16). This variant is considered to be rare based on population cohorts in the Genome Aggregation Database (gnomAD). In addition to the clinical data presented in the literature, this alteration is expected to result in loss of function by premature protein truncation or nonsense-mediated mRNA decay. As such, this alteration is interpreted as a disease-causing mutation.

GeneDx
Classification: Pathogenic. Last evaluated: 2022-06-06. Review status: criteria provided, single submitter. Criteria: GeneDx Variant Classification Process June 2021. Collection method: clinical testing. Allele origin: germline. Affected: yes. Not counted in ClinVar's aggregate classification.
Comment: Frameshift variant predicted to result in protein truncation or nonsense mediated decay in a gene for which loss of function is a known mechanism of disease; Not observed at significant frequency in large population cohorts (gnomAD); Truncating variants in this gene are considered pathogenic by a well-established clinical consortium and/or database; Observed in at least one individual with breast cancer in the published literature (Ryu 2019); Also known as 2749del; This variant is associated with the following publications: (PMID: 30350268, 20104584, 21520333)

Labcorp Genetics (formerly Invitae), Labcorp
Classification: Pathogenic for Hereditary breast ovarian cancer syndrome. Last evaluated: 2020-06-06. Review status: criteria provided, single submitter. Criteria: Invitae Variant Classification Sherloc (09022015). Collection method: clinical testing. Allele origin: germline. Not counted in ClinVar's aggregate classification.
Comment: This sequence change creates a premature translational stop signal (p.Asn877Metfs*16) in the BRCA1 gene. It is expected to result in an absent or disrupted protein product. This variant is not present in population databases (ExAC no frequency). This variant has been reported in an individual with breast cancer in the Leiden Open-source Variation Database (PMID: 21520333). ClinVar contains an entry for this variant (Variation ID: 254416). Loss-of-function variants in BRCA1 are known to be pathogenic (PMID: 20104584). For these reasons, this variant has been classified as Pathogenic.

Counsyl
Classification: Likely pathogenic for Breast-ovarian cancer, familial, susceptibility to, 1. Last evaluated: 2017-06-19. Review status: no assertion criteria provided. Collection method: clinical testing. Allele origin: unknown. Not counted in ClinVar's aggregate classification.

Literature cited by the submitters: PubMed 30350268 (cited by Ambry Genetics); PubMed 21520333 (cited by Labcorp Genetics (formerly Invitae), Labcorp); PubMed 20104584 (cited by Labcorp Genetics (formerly Invitae), Labcorp).

NM_007294.4(BRCA1):c.2630del (p.Asn877fs)

Gene: BRCA1 (BRCA1 DNA repair associated; minus strand). Cytogenetic location: 17q21.31.
Variant type: Deletion.
Coding change: c.2630del on transcript NM_007294.4 (MANE Select); coding-DNA position 2630, one base deleted (A; older notation c.2630delA).
Protein change: p.Asn877fs; shifts the reading frame from asparagine 877.
Molecular consequence: frameshift variant. On other transcripts: intron variant (137).
Genome position (GRCh38, 1-based): chr17:43,092,901, T deleted on the plus strand (A on the coding strand, the reverse complement: BRCA1 is on the minus strand); the first of 3 consecutive T bases (chr17:43,092,901-43,092,903); deleting any one gives the same sequence. VCF-style (leftmost placement, unchanged base first): chr17-43092900-AT-A. GRCh37 (hg19) VCF-style: chr17-41244917-AT-A.
Other names: c.2630delA (NM_007294.3); c.2552del, p.Asn851fs (NM_001407654.1, NM_001407655.1, NM_001407656.1 and 4 more transcripts); c.2549del, p.Asn850fs (NM_001407659.1, NM_001407660.1, NM_001407661.1 and 1 more transcripts); c.2507del, p.Asn836fs (NM_001407664.1, NM_001407665.1, NM_001407666.1 and 19 more transcripts); c.2504del, p.Asn835fs (NM_001407670.1, NM_001407671.1, NM_001407672.1 and 11 more transcripts); c.2630del, p.Asn877fs (NM_001407684.1, NM_001407854.1, NM_001407858.1 and 30 more transcripts); c.2489del, p.Asn830fs (NM_001407692.1, NM_001407694.1, NM_001407695.1 and 29 more transcripts); c.2486del, p.Asn829fs (NM_001407740.1, NM_001407741.1, NM_001407742.1 and 20 more transcripts); and 43 more; short protein forms N877fs, N830fs, N581fs, N765fs, N789fs, N829fs, N876fs, N807fs.
Identifiers: ClinVar variation 254416 (VCV000254416.15), dbSNP rs886038002, ClinGen allele CA10586642.
Genomic context (GRCh38, chr17:43,092,900, plus strand): 5'-TGGACTTTGTTTCTTTAAGGACCCAGAGTGGGCAGAGAATGTTGCACATTCCTCTTCTGC[AT>A]TTCCTGGATTTGAAAACGGAGCAAATGACTGGCGCTTTGAAACCTTGAATGTATTCTGCA-3'